The following is an entry in ClinVar:

ClinVar aggregate classification (germline): Uncertain significance (1 of 4 stars; one submission).

Conditions:
Hereditary cancer-predisposing syndrome. Also called: Neoplastic Syndromes, Hereditary; Hereditary Cancer Syndrome; Hereditary neoplastic syndrome; Tumor predisposition. Identifiers: Orphanet 140162, MedGen C0027672, MeSH D009386, MONDO:0015356.

Submission:

Ambry Genetics
Classification: Uncertain significance for Hereditary cancer-predisposing syndrome. Last evaluated: 2025-08-23. Review status: criteria provided, single submitter. Criteria: Ambry Variant Classification Scheme 2023. Collection method: clinical testing. Allele origin: germline.
Comment: The p.L176P variant (also known as c.527T>C), located in coding exon 5 of the ATM gene, results from a T to C substitution at nucleotide position 527. The leucine at codon 176 is replaced by proline, an amino acid with similar properties. This amino acid position is well conserved in available vertebrate species. In addition, this alteration is predicted to be tolerated by in silico analysis. Since supporting evidence is limited at this time, the clinical significance of this alteration remains unclear.

NM_000051.4(ATM):c.527T>C (p.Leu176Pro)

Gene: ATM (ATM serine/threonine kinase; plus strand). Cytogenetic location: 11q22.3.
Variant type: single nucleotide variant.
Coding change: c.527T>C on transcript NM_000051.4 (MANE Select); coding-DNA position 527, T replaced by C.
Protein change: p.Leu176Pro; replaces leucine 176 with proline.
Molecular consequence: missense variant.
Genome position (GRCh38, 1-based): chr11:108,243,983, T>C. VCF-style: chr11-108243983-T-C. GRCh37 (hg19) VCF-style: chr11-108114710-T-C.
Other names: c.527T>C, p.Leu176Pro (NM_001351834.2); short protein forms L176P.
Identifiers: ClinVar variation 479009 (VCV000479009.7), dbSNP rs1555066315, ClinGen allele CA382527572.